The following is an entry in ClinVar:

ClinVar aggregate classification (germline): Uncertain significance (1 of 4 stars; one submission).

Conditions:
SCN10A-related disorder. Also called: SCN10A-related condition.

Allele frequency attached by ClinVar (database versions not stated): TOPMed below 0.00001; ExAC 0.00001.
gnomAD v4.1: 3 of 1,611,048 alleles (0.00019%); highest among the groups gnomAD compares: Non-Finnish European, 0.00025%; no homozygotes.

Submission:

PreventionGenetics, part of Exact Sciences
Classification: Uncertain significance for SCN10A-related condition. Last evaluated: 2023-06-21. Review status: criteria provided, single submitter. Criteria: ACMG Guidelines, 2015. Collection method: clinical testing. Allele origin: germline.
Comment: The SCN10A c.1078C>G variant is predicted to result in the amino acid substitution p.Arg360Gly. To our knowledge, this variant has not been reported in the literature. This variant is reported in 0.0027% of alleles in individuals of European (Non-Finnish) descent in gnomAD. At this time, the clinical significance of this variant is uncertain due to the absence of conclusive functional and genetic evidence.

NM_006514.4(SCN10A):c.1078C>G (p.Arg360Gly)

Gene: SCN10A (sodium voltage-gated channel alpha subunit 10; minus strand). Cytogenetic location: 3p22.2.
Variant type: single nucleotide variant.
Coding change: c.1078C>G on transcript NM_006514.4 (MANE Select); coding-DNA position 1078, C replaced by G.
Protein change: p.Arg360Gly; replaces arginine 360 with glycine.
Molecular consequence: missense variant.
Genome position (GRCh38, 1-based): chr3:38,757,032, G>C on the plus strand (C>G on the coding strand, the complement: SCN10A is on the minus strand). VCF-style: chr3-38757032-G-C. GRCh37 (hg19) VCF-style: chr3-38798523-G-C.
Other names: c.1078C>G, p.Arg360Gly (NM_001293306.2, NM_001293307.2); short protein forms R360G.
Identifiers: ClinVar variation 2629101 (VCV002629101.1), dbSNP rs773808340, ClinGen allele CA2320986.
Genomic context (GRCh38, chr3:38,757,032, plus strand): 5'-CCACCAGCCTCCAACCAAGTCTGCGTGGGGGAATGCAGCTCAGTACCTGCTGGTAGAGGC[G>C]TTCCCAGGAATCCTGTGTCATGAGGCGGAACAGTGAGAGGAAAGCCCAAGCAAAGGAATC-3'
Protein context (NP_006505.4, residues 350-370): FRLMTQDSWE[Arg360Gly]LYQQTLRTSG